The following continues an entry in ClinVar:

NM_000257.4(MYH7):c.1208G>A (p.Arg403Gln)

Gene: MYH7. ClinVar aggregate classification (germline): Pathogenic. Pathogenic (1).

Submissions 17 to 25 of 25:

Agnes Ginges Centre for Molecular Cardiology, Centenary Institute
Classification: Pathogenic for Hypertrophic cardiomyopathy 1. Last evaluated: 2017-03-13. Review status: criteria provided, single submitter. Criteria: Agnes Ginges Centre for Molecular Cardiology criteria (2015). Collection method: research. Allele origin: germline. Inheritance: Autosomal dominant inheritance. Affected: yes. Not counted in ClinVar's aggregate classification.
Comment: The MYH7 Arg403Gln variant has been reported in numerous HCM cases (see literature). This variant is known to have high penetrance and has been described to segregate with disease in multiple large families (Geisterfer-Lowrance AA, et al., 1990; Epstein ND, et al., 1992; Marian AJ, et al.,1995; Richard P, et al., 2003; Woo A, et al., 2003; Millat G, et al., 2010). Many functional studies have been carried out which strongly support the pathogenicity of the variant and its affect on the function of cardiomyocytes (see literature). The variant is absent from the Exome Aggregation Consortium dataset and 1000 genomes project. In silico tools SIFT, PolyPhen-2 and MutationTaster are all supportive of a deleterious role. Furthermore another pathogenic variant has been reported at the same amino acid position (Arg403Trp), suggesting that an amino acid substitution at this residue is not tolerant to change. In summary, based on multiple reported cases, strong segregation data in literature, functional data supportive of pathogenicity and an additional pathogenic variant at the same residue, we classify MYH7 Arg403Gln as a "pathogenic" variant.

Laboratory for Molecular Medicine, Mass General Brigham Personalized Medicine
Classification: Pathogenic for Hypertrophic cardiomyopathy. Last evaluated: 2014-12-22. Review status: criteria provided, single submitter. Criteria: LMM Criteria. Collection method: clinical testing. Allele origin: germline. Observed: 30 variant alleles. Not counted in ClinVar's aggregate classification.
Comment: The p.Arg403Gln variant in MYH7 is a well-established, common HCM variant that h as been detected in a large number of individuals with HCM and is absent from la rge population studies. Published evidence sufficient to establish a pathogenic role includes presence in multiple families and segregation with disease in more than 10 affected relatives (Geisterfer-Lowrance 1990, Epstein 1992, Marian 1995 , Richard 2003, Millat 2010). Additional studies have been published but are not included here. Our laboratory has identified this variant in 14 families with H CM. The pathogenicity of this variant is further supported by functional studies using animal models (Georgakopoulos 1999, Tyska 2000, Yamashita 2000, Lowey 201 3) and in vitro analyses, which demonstrate an impact on cardiomyocyte function (Di Domenico 2012, Abraham 2013, Witjas-Paalberends 2014). In summary, this vari ant meets our criteria to be classified as pathogenic for HCM in an autosomal do minant manner.

Stanford Center for Inherited Cardiovascular Disease, Stanford University
Classification: Pathogenic. Last evaluated: 2013-09-01. Review status: criteria provided, single submitter. Criteria: ACMG Guidelines, 2015. Collection method: provider interpretation. Allele origin: germline. Not counted in ClinVar's aggregate classification.

PreventionGenetics, part of Exact Sciences
Classification: Pathogenic for MYH7-related condition. Last evaluated: 2023-11-14. Review status: no assertion criteria provided. Collection method: clinical testing. Allele origin: germline. Not counted in ClinVar's aggregate classification.
Comment: The MYH7 c.1208G>A variant is predicted to result in the amino acid substitution p.Arg403Gln. This variant was reported has been repeatedly documented to be pathogenic in many individuals with hypertrophic cardiomyopathy (see for example - Geisterfer-Lowrance et al. 1990. PubMed ID: 1975517; Table S1A/B, Walsh et al. 2017. PubMed ID: 27532257). Functional studies confirm this variant impacts MYH7 function (see for example - Debold et al. 2007. PubMed ID: 17351073). This variant has not been reported in a large population database, indicating this variant is rare. In ClinVar, this variant has been interpreted as pathogenic by multiple labs including the ClinGen cardiomyopathy variant curation expert panel. This variant is interpreted as pathogenic.

OMIM
Classification: Pathogenic for CARDIOMYOPATHY, FAMILIAL HYPERTROPHIC, 1. Last evaluated: 2003-01-01. Review status: no assertion criteria provided. Collection method: literature only. Allele origin: germline. Not counted in ClinVar's aggregate classification.

Clinical Genetics DNA and cytogenetics Diagnostics Lab, Erasmus MC, Erasmus Medical Center
Classification: Pathogenic. Review status: no assertion criteria provided. Collection method: clinical testing. Allele origin: germline. Affected: yes. Study: VKGL Data-share Consensus. Not counted in ClinVar's aggregate classification.

Clinical Genetics, Academic Medical Center
Classification: Pathogenic. Review status: no assertion criteria provided. Collection method: clinical testing. Allele origin: germline. Affected: yes. Study: VKGL Data-share Consensus. Not counted in ClinVar's aggregate classification.

Genome Diagnostics Laboratory, University Medical Center Utrecht
Classification: Pathogenic. Review status: no assertion criteria provided. Collection method: clinical testing. Allele origin: germline. Affected: yes. Study: VKGL Data-share Consensus. Not counted in ClinVar's aggregate classification.

Joint Genome Diagnostic Labs from Nijmegen and Maastricht, Radboudumc and MUMC+
Classification: Pathogenic. Review status: no assertion criteria provided. Collection method: clinical testing. Allele origin: germline. Affected: yes. Study: VKGL Data-share Consensus. Not counted in ClinVar's aggregate classification.

Literature cited by the submitters: PubMed 24268868 (cited by 6 submitters); PubMed 12707239 (cited by 6 submitters); PubMed 10725281 (cited by 6 submitters); PubMed 1975517 (cited by 10 submitters); PubMed 8614836 (cited by 8 submitters); PubMed 1638703 (cited by 8 submitters); PubMed 20800588 (cited by 6 submitters); PubMed 12975413 (cited by 9 submitters); PubMed 27532257 (cited by 5 submitters); PubMed 7789380 (cited by 6 submitters); PubMed 29300372 (cited by ClinGen Cardiomyopathy Variant Curation Expert Panel); PubMed 23751935 (cited by 4 submitters); PubMed 9172070 (cited by Labcorp Genetics (formerly Invitae), Labcorp and Agnes Ginges Centre for Molecular Cardiology, Centenary Institute); PubMed 9826622 (cited by 4 submitters); PubMed 10606622 (cited by Labcorp Genetics (formerly Invitae), Labcorp and Agnes Ginges Centre for Molecular Cardiology, Centenary Institute); PubMed 10882745 (cited by 5 submitters); PubMed 11227787 (cited by 4 submitters); PubMed 17987111 (cited by 4 submitters); PubMed 18565996 (cited by Labcorp Genetics (formerly Invitae), Labcorp and Agnes Ginges Centre for Molecular Cardiology, Centenary Institute); PubMed 8425289 (cited by Women's Health and Genetics/Laboratory Corporation of America, LabCorp); PubMed 30297972 (cited by 3billion); PubMed 10764406 (cited by 4 submitters); PubMed 15358028 (cited by 3 submitters); PubMed 20031618 (cited by Ambry Genetics and Agnes Ginges Centre for Molecular Cardiology, Centenary Institute); PubMed 22735528 (cited by 4 submitters); PubMed 23580644 (cited by 4 submitters); PubMed 24928957 (cited by 4 submitters); PubMed 27247418 (cited by Ambry Genetics and Phosphorus, Inc.); PubMed 1634614 (cited by 3 submitters); PubMed 2249844 (cited by Phosphorus, Inc. and OMIM); PubMed 7994801 (cited by Phosphorus, Inc. and OMIM); PubMed 9140839 (cited by Phosphorus, Inc. and OMIM); PubMed 9541509 (cited by 3 submitters); PubMed 10086390 (cited by 3 submitters); PubMed 12084606 (cited by Phosphorus, Inc. and Laboratory for Molecular Medicine, Mass General Brigham Personalized Medicine); PubMed 12601548 (cited by Phosphorus, Inc. and OMIM); PubMed 13732753 (cited by 3 submitters); PubMed 17351073 (cited by 3 submitters); PubMed 18403758 (cited by Phosphorus, Inc.); PubMed 19808356 (cited by Phosphorus, Inc.); PubMed 21239280 (cited by 3 submitters); PubMed 22213221 (cited by 3 submitters); PubMed 23054336 (cited by Phosphorus, Inc.); PubMed 24793961 (cited by Phosphorus, Inc.); PubMed 25611685 (cited by Phosphorus, Inc.); PubMed 1552912 (cited by Agnes Ginges Centre for Molecular Cardiology, Centenary Institute); PubMed 8281650 (cited by Agnes Ginges Centre for Molecular Cardiology, Centenary Institute); PubMed 8898372 (cited by Agnes Ginges Centre for Molecular Cardiology, Centenary Institute); PubMed 7883988 (cited by Agnes Ginges Centre for Molecular Cardiology, Centenary Institute); PubMed 7788887 (cited by Agnes Ginges Centre for Molecular Cardiology, Centenary Institute); PubMed 9105042 (cited by Agnes Ginges Centre for Molecular Cardiology, Centenary Institute); PubMed 1423936 (cited by Agnes Ginges Centre for Molecular Cardiology, Centenary Institute); PubMed 8514894 (cited by Agnes Ginges Centre for Molecular Cardiology, Centenary Institute); PubMed 10874840 (cited by Agnes Ginges Centre for Molecular Cardiology, Centenary Institute); PubMed 12820698 (cited by Agnes Ginges Centre for Molecular Cardiology, Centenary Institute).